The following is an entry in ClinVar:

NM_000748.3(CHRNB2):c.1252G>T (p.Glu418Ter)

Gene: CHRNB2 (cholinergic receptor nicotinic beta 2 subunit; plus strand). Cytogenetic location: 1q21.3.
Variant type: single nucleotide variant.
Coding change: c.1252G>T on transcript NM_000748.3 (MANE Select); coding-DNA position 1252, G replaced by T.
Protein change: p.Glu418Ter; replaces glutamic acid 418 with a stop codon.
Molecular consequence: nonsense.
Genome position (GRCh38, 1-based): chr1:154,572,075, G>T. VCF-style: chr1-154572075-G-T. GRCh37 (hg19) VCF-style: chr1-154544551-G-T.
Other names: c.1252G>T (NM_000748.2); short protein forms E418*.
Identifiers: ClinVar variation 1009288 (VCV001009288.7), dbSNP rs1375045864, ClinGen allele CA342631783.
Genomic context (GRCh38, chr1:154,572,075, plus strand): 5'-GGGTTGGCCGGGGCCTTCGGGGCTGAGCCTGCACCAGTGGCGGGCCCCGGGCGCTCAGGG[G>T]AGCCGTGTGGCTGTGGCCTCCGGGAGGCGGTGGACGGCGTGCGCTTCATCGCAGACCACA-3'

ClinVar aggregate classification (germline): Uncertain significance. Review status: criteria provided, multiple submitters, no conflicts (2 of 4 stars). 2 submissions from 2 submitters: Uncertain significance (2). Last evaluated 2025-02-06.

Conditions:
Familial sleep-related hypermotor epilepsy. Also called: Autosomal Dominant Sleep-Related Hypermotor (Hyperkinetic) Epilepsy. Identifiers: Orphanet 98784, MedGen C3696898, MONDO:0000030.

Submissions (2):

GeneDx
Classification: Uncertain significance. Last evaluated: 2025-02-06. Review status: criteria provided, single submitter. Criteria: GeneDx Variant Classification Process June 2021. Collection method: clinical testing. Allele origin: germline. Affected: yes.
Comment: Nonsense variant predicted to result in protein truncation or nonsense mediated decay in a gene or region of a gene for which loss of function is not a well-established mechanism of disease; Not observed at significant frequency in large population cohorts (gnomAD); Has not been previously published as pathogenic or benign to our knowledge

Labcorp Genetics (formerly Invitae), Labcorp
Classification: Uncertain significance. Last evaluated: 2022-11-03. Review status: criteria provided, single submitter. Criteria: Invitae Variant Classification Sherloc (09022015). Collection method: clinical testing. Allele origin: germline.
Comment: In summary, the available evidence is currently insufficient to determine the role of this variant in disease. Therefore, it has been classified as a Variant of Uncertain Significance. ClinVar contains an entry for this variant (Variation ID: 1009288). This variant has not been reported in the literature in individuals affected with CHRNB2-related conditions. This variant is not present in population databases (gnomAD no frequency). This sequence change creates a premature translational stop signal (p.Glu418*) in the CHRNB2 gene. It is expected to result in an absent or disrupted protein product. However, the current clinical and genetic evidence is not sufficient to establish whether loss-of-function variants in CHRNB2 cause disease.